The following is an entry in ClinVar:

ClinVar aggregate classification (germline): Uncertain significance. Review status: criteria provided, multiple submitters, no conflicts (2 of 4 stars). 2 submissions from 2 submitters: Uncertain significance (2). Last evaluated 2023-12-17.

Allele frequency attached by ClinVar (database versions not stated): gnomAD exomes 0.00002; gnomAD 0.00005; ExAC 0.00007; ESP Exome Variant Server 0.00008.
gnomAD v4.1: 38 of 1,613,912 alleles (0.0024%); highest among the groups gnomAD compares: Admixed American, 0.027%; no homozygotes.

Submissions (2):

Ambry Genetics
Classification: Uncertain significance. Last evaluated: 2023-12-17. Review status: criteria provided, single submitter. Criteria: Ambry Variant Classification Scheme 2023. Collection method: clinical testing. Allele origin: germline.

Labcorp Genetics (formerly Invitae), Labcorp
Classification: Uncertain significance. Last evaluated: 2023-03-30. Review status: criteria provided, single submitter. Criteria: Invitae Variant Classification Sherloc (09022015). Collection method: clinical testing. Allele origin: germline.
Comment: In summary, the available evidence is currently insufficient to determine the role of this variant in disease. Therefore, it has been classified as a Variant of Uncertain Significance. An algorithm developed to predict the effect of missense changes on protein structure and function (PolyPhen-2) suggests that this variant¬† is likely to be tolerated. This variant has not been reported in the literature in individuals affected with SLC25A3-related conditions. This variant is present in population databases (rs377617675, gnomAD 0.02%). This sequence change replaces alanine, which is neutral and non-polar, with valine, which is neutral and non-polar, at codon 181 of the SLC25A3 protein (p.Ala181Val).

NM_002635.4(SLC25A3):c.539C>T (p.Ala180Val)

Gene: SLC25A3 (solute carrier family 25 member 3; plus strand). Cytogenetic location: 12q23.1.
Variant type: single nucleotide variant.
Coding change: c.539C>T on transcript NM_002635.4 (MANE Select); coding-DNA position 539, C replaced by T.
Protein change: p.Ala180Val; replaces alanine 180 with valine.
Molecular consequence: missense variant.
Genome position (GRCh38, 1-based): chr12:98,598,601, C>T. VCF-style: chr12-98598601-C-T. GRCh37 (hg19) VCF-style: chr12-98992379-C-T.
Other names: c.542C>T, p.Ala181Val (NM_005888.4); c.539C>T, p.Ala180Val (NM_213611.3); c.542C>T (NM_005888.3); short protein forms A181V, A180V.
Identifiers: ClinVar variation 2964142 (VCV002964142.2), dbSNP rs377617675, ClinGen allele CA6732996.